The following is an entry in ClinVar:

ClinVar aggregate classification (germline): Pathogenic (1 of 4 stars; one submission).

Conditions:
WHIM syndrome 1 (WHIMS). Identifiers: Orphanet 51636, MedGen C5542296, MONDO:8000006, OMIM 193670.

Submission:

Research Department, X4 Pharmaceuticals (Austria) GmbH
Classification: Pathogenic for WHIM syndrome 1. Last evaluated: 2025-06-03. Review status: criteria provided, single submitter. Criteria: ACMG Guidelines, 2015. Collection method: curation, in vitro. Allele origin: germline, not applicable. Inheritance: Autosomal dominant inheritance. Affected: yes. Observed: 2 variant alleles, 2 heterozygotes. Clinical features observed: Decreased total neutrophil count (HP:0001875), Decreased total lymphocyte count (HP:0001888), Myelokathexis (HP:0031160), Recurrent infections (HP:0002719). Functional consequence: gain_of_function_variant.
Comment: The p.Leu326Profs*18 frameshift variant has been observed in individuals with clinical features of WHIM syndrome (PMID: 35947323); the variant was observed to be de novo. Experimental studies have shown that this premature translational stop signal affects CXCR4 function (PMID: 35947323). This variant is located in a region of the CXCR4 protein where a significant number of CXCR4 nonsense and frameshift mutations have been reported in association with autosomal dominant WHIM syndrome (PMID: 31313072, 32784523, 35947323, 39040098). This variant is not present in population databases (gnomAD no frequency).

Literature cited by the submitters: PubMed 35947323; DOI 10.24287/1726-1708-2020-19-4suppl-68-75.

NM_003467.3(CXCR4):c.976dup (p.Leu326fs)

Gene: CXCR4 (C-X-C motif chemokine receptor 4; minus strand). Cytogenetic location: 2q22.1.
Variant type: Duplication.
Coding change: c.976dup on transcript NM_003467.3 (MANE Select); coding-DNA position 976, one base duplicated (C; older notation c.976dupC).
Protein change: p.Leu326fs; shifts the reading frame from leucine 326.
Molecular consequence: frameshift variant.
Genome position (GRCh38, 1-based): chr2:136,114,952, G duplicated on the plus strand (C on the coding strand, the reverse complement: CXCR4 is on the minus strand); the first of 2 consecutive G bases (chr2:136,114,952-136,114,953); duplicating either gives the same sequence. VCF-style (leftmost placement, unchanged base first): chr2-136114951-A-AG. GRCh37 (hg19) VCF-style: chr2-136872521-A-AG.
Other names: c.988dup, p.Leu330fs (NM_001008540.2); c.1189dup, p.Leu397fs (NM_001348056.2); c.1075dup, p.Leu359fs (NM_001348059.2); c.931dup, p.Leu311fs (NM_001348060.2); short protein forms L311fs, L326fs, L330fs, L359fs, L397fs.
Identifiers: ClinVar variation 3902803 (VCV003902803.2).